The following is an entry in ClinVar:

NM_001083962.2(TCF4):c.986_990+3del

Gene: TCF4 (transcription factor 4; minus strand). Cytogenetic location: 18q21.2.
Variant type: Deletion.
Coding change: c.986_990+3del on transcript NM_001083962.2 (MANE Select); coding-DNA position 986 through 3 bases into the intron after coding-DNA position 990, 8 bases deleted (CTTCGGTG; older notation c.986_990+3delCTTCGGTG).
Molecular consequence: splice donor variant.
Genome position (GRCh38, 1-based): chr18:55,261,463-55,261,470, CACCGAAG deleted on the plus strand (CTTCGGTG on the coding strand, the reverse complement: TCF4 is on the minus strand); deleting any 8 consecutive bases within chr18:55,261,463-55,261,472 gives the same sequence; the c. name uses the placement nearest the transcript's 3' end. VCF-style (leftmost placement, unchanged base first): chr18-55261462-TCACCGAAG-T. GRCh37 (hg19) VCF-style: chr18-52928693-TCACCGAAG-T.
Other names: c.1292_1296+3del (NM_001243226.3); c.911_915+3del (NM_001369584.1, NM_001369576.1, NM_001369585.1 and 3 more transcripts); c.914_918+3del (NM_001369577.1, NM_001369582.1, NM_001243227.2 and 9 more transcripts); c.986_990+3del (NM_001369571.1, NM_001369567.1, NM_001369572.1 and 4 more transcripts); c.1004_1008+3del (NM_001243228.2); c.980_984+3del (NM_001243230.2); c.983_987+3del (NM_001369569.1, NM_001369573.1, NM_001369570.1); c.860_864+3del (NM_001243231.2, NM_001348211.2); and 5 more.
Identifiers: ClinVar variation 429889 (VCV000429889.2), dbSNP rs1131691653, ClinGen allele CA645369663.

ClinVar aggregate classification (germline): Pathogenic (1 of 4 stars; one submission).

Submission:

GeneDx
Classification: Pathogenic. Last evaluated: 2015-10-08. Review status: criteria provided, single submitter. Criteria: GeneDx Variant Classification (06012015). Collection method: clinical testing. Allele origin: germline. Affected: yes.
Comment: The c.986_990+3delCTTCGGTG pathogenic variant in the TCF4 gene causes a deletion at the intron/exon border, destroying the canonical splice donor site in exon 12. It is predicted to cause abnormal gene splicing, either leading to an abnormal message that is subject to nonsense-mediated mRNA decay, or to an abnormal protein product if the message is used for protein translation. Although this variant has not been previously reported to our knowledge, other pathogenic splice site variants have been reported in the TCF4 gene in association with Pitt-Hopkins syndrome (Stenson et al., 2014). Therefore, we interpret the c.986_990+3delCTTCGGTG variant as pathogenic.